The following is an entry in ClinVar:

NM_022489.4(INF2):c.2877T>C (p.Pro959=)

Gene: INF2 (inverted formin 2; plus strand). Cytogenetic location: 14q32.33.
Variant type: single nucleotide variant.
Coding change: c.2877T>C on transcript NM_022489.4 (MANE Select); coding-DNA position 2877, T replaced by C.
Protein change: p.Pro959=; no amino-acid change (proline 959 retained).
Molecular consequence: synonymous variant.
Genome position (GRCh38, 1-based): chr14:104,713,308, T>C. VCF-style: chr14-104713308-T-C. GRCh37 (hg19) VCF-style: chr14-105179645-T-C.
Other names: c.2877T>C, p.Pro959= (NM_001031714.4).
Identifiers: ClinVar variation 1346805 (VCV001346805.8), dbSNP rs1890143462, ClinGen allele CA488716267.

ClinVar aggregate classification (germline): Uncertain significance (1 of 4 stars; one submission).

Conditions:
Charcot-Marie-Tooth disease dominant intermediate E. Also called: CHARCOT-MARIE-TOOTH NEUROPATHY WITH FOCAL SEGMENTAL GLOMERULONEPHRITIS. Identifiers: Orphanet 93114, MedGen C4302667, MONDO:0013758, OMIM 614455.
Focal segmental glomerulosclerosis 5 (FSGS5). Identifiers: Orphanet 656, MedGen C2750475, MONDO:0013191, OMIM 613237.

Allele frequency attached by ClinVar (database versions not stated): gnomAD exomes below 0.00001.
gnomAD v4.1: 2 of 1,550,666 alleles (0.00013%); highest among the groups gnomAD compares: Admixed American, 0.0039%; no homozygotes.

Submission:

Labcorp Genetics (formerly Invitae), Labcorp
Classification: Uncertain significance for Charcot-Marie-Tooth disease dominant intermediate E; Focal segmental glomerulosclerosis 5. Last evaluated: 2022-09-01. Review status: criteria provided, single submitter. Criteria: Invitae Variant Classification Sherloc (09022015). Collection method: clinical testing. Allele origin: germline.
Comment: Algorithms developed to predict the effect of sequence changes on RNA splicing suggest that this variant is not likely to affect RNA splicing. In summary, the available evidence is currently insufficient to determine the role of this variant in disease. Therefore, it has been classified as a Variant of Uncertain Significance. This variant has not been reported in the literature in individuals affected with INF2-related conditions. ClinVar contains an entry for this variant (Variation ID: 1346805). This sequence change affects codon 959 of the INF2 mRNA. It is a 'silent' change, meaning that it does not change the encoded amino acid sequence of the INF2 protein. It affects a nucleotide within the consensus splice site. This variant is not present in population databases (gnomAD no frequency).